The following is an entry in ClinVar:

NM_000432.4(MYL2):c.31G>C (p.Gly11Arg)

Genes: MYL2 (myosin light chain 2; minus strand), LOC114827850 (VISTA enhancer hs2149; plus strand). Cytogenetic location: 12q24.11.
Variant type: single nucleotide variant.
Coding change: c.31G>C on transcript NM_000432.4 (MANE Select); coding-DNA position 31, G replaced by C.
Protein change: p.Gly11Arg; replaces glycine 11 with arginine.
Molecular consequence: missense variant.
Genome position (GRCh38, 1-based): chr12:110,919,166, C>G on the plus strand (G>C on the coding strand, the complement: MYL2 is on the minus strand). VCF-style: chr12-110919166-C-G. GRCh37 (hg19) VCF-style: chr12-111356970-C-G.
Other names: short protein forms G11R.
Identifiers: ClinVar variation 927798 (VCV000927798.4), dbSNP rs397516402, ClinGen allele CA386700319.

ClinVar aggregate classification (germline): Uncertain significance (1 of 4 stars; one submission).

Conditions:
Cardiomyopathy (CMYO). Also called: Cardiomyopathies. Identifiers: Orphanet 167848, MedGen C0878544, MONDO:0004994, HP:0001638. Inheritance: Various modes of inheritance.

Submission:

Color Diagnostics, LLC DBA Color Health
Classification: Uncertain significance for Cardiomyopathy. Last evaluated: 2024-03-07. Review status: criteria provided, single submitter. Criteria: ACMG Guidelines, 2015. Collection method: clinical testing. Allele origin: germline.
Comment: This missense variant replaces glycine with arginine at codon 11 of the MYL2 protein. Computational prediction tool suggests that this variant may not impact protein structure and function (internally defined REVEL score threshold <=0.5, PMID: 27666373). Splice site prediction tools suggest that this variant may not impact RNA splicing. To our knowledge, functional studies have not been performed for this variant. This variant has not been reported in individuals affected with cardiovascular disorders in the literature. This variant has not been identified in the general population by the Genome Aggregation Database (gnomAD). The available evidence is insufficient to determine the role of this variant in disease conclusively. Therefore, this variant is classified as a Variant of Uncertain Significance.